The following is an entry in ClinVar:

ClinVar aggregate classification (germline): Uncertain significance. Review status: criteria provided, multiple submitters, no conflicts (2 of 4 stars). 5 submissions from 2 submitters: Uncertain significance (5). Last evaluated 2025-03-04.

Conditions:
Retinitis pigmentosa 76 (RP76). Identifiers: MedGen C4310704, MONDO:0014929, OMIM 617123.
Muscular dystrophy-dystroglycanopathy (congenital with impaired intellectual development), type B, 3. Also called: Muscular dystrophy-dystroglycanopathy (congenital with intellectual disability), type B3; MUSCULAR DYSTROPHY, CONGENITAL, POMGNT1-RELATED. Identifiers: MedGen C3150412, MONDO:0013155, OMIM 613151.
Autosomal recessive limb-girdle muscular dystrophy type 2O. Also called: Limb-Girdle Muscular Dystrophy Type 3C; MUSCULAR DYSTROPHY-DYSTROGLYCANOPATHY (LIMB-GIRDLE), TYPE C, 3; MUSCULAR DYSTROPHY-DYSTROGLYCANOPATHY, LIMB-GIRDLE, POMGNT1-RELATED. Identifiers: Orphanet 206564, MedGen C3150417, MONDO:0013161, OMIM 613157.
Muscular dystrophy-dystroglycanopathy (congenital with brain and eye anomalies), type A3. Also called: Muscular dystrophy-dystroglycanopathy (congenital with brain and eye anomalies), type A, 3; Congenital muscular dystrophy-dystroglycanopathy with brain and eye anomalies, type A3; WALKER-WARBURG SYNDROME OR MUSCLE-EYE-BRAIN DISEASE, POMGNT1-RELATED. Identifiers: MedGen C3151519, MONDO:0009667, OMIM 253280.

Allele frequency attached by ClinVar (database versions not stated): gnomAD exomes below 0.00001; ExAC 0.00002.
gnomAD v4.1: 1 of 1,614,168 alleles (0.000062%); highest among the groups gnomAD compares: Non-Finnish European, 0.000085%; no homozygotes.

Submissions (5):

Labcorp Genetics (formerly Invitae), Labcorp
Classification: Uncertain significance for Autosomal recessive limb-girdle muscular dystrophy type 2O; Muscular dystrophy-dystroglycanopathy (congenital with impaired intellectual development), type B, 3. Last evaluated: 2025-03-04. Review status: criteria provided, single submitter. Criteria: Invitae Variant Classification Sherloc (09022015). Collection method: clinical testing. Allele origin: germline.
Comment: This sequence change replaces lysine, which is basic and polar, with glutamine, which is neutral and polar, at codon 373 of the POMGNT1 protein (p.Lys373Gln). This variant is present in population databases (rs752591703, gnomAD 0.0009%). This variant has not been reported in the literature in individuals affected with POMGNT1-related conditions. ClinVar contains an entry for this variant (Variation ID: 1210461). Invitae Evidence Modeling of protein sequence and biophysical properties (such as structural, functional, and spatial information, amino acid conservation, physicochemical variation, residue mobility, and thermodynamic stability) indicates that this missense variant is expected to disrupt POMGNT1 protein function with a positive predictive value of 80%. In summary, the available evidence is currently insufficient to determine the role of this variant in disease. Therefore, it has been classified as a Variant of Uncertain Significance.

Genome-Nilou Lab
Classification: Uncertain significance for Autosomal recessive limb-girdle muscular dystrophy type 2O. Last evaluated: 2021-07-22. Review status: criteria provided, single submitter. Criteria: ACMG Guidelines, 2015. Collection method: clinical testing. Allele origin: germline. Affected: no.

Genome-Nilou Lab
Classification: Uncertain significance for Retinitis pigmentosa 76. Last evaluated: 2021-07-22. Review status: criteria provided, single submitter. Criteria: ACMG Guidelines, 2015. Collection method: clinical testing. Allele origin: germline. Affected: no.

Genome-Nilou Lab
Classification: Uncertain significance for Muscular dystrophy-dystroglycanopathy (congenital with impaired intellectual development), type B, 3. Last evaluated: 2021-07-22. Review status: criteria provided, single submitter. Criteria: ACMG Guidelines, 2015. Collection method: clinical testing. Allele origin: germline. Affected: no.

Genome-Nilou Lab
Classification: Uncertain significance for Muscular dystrophy-dystroglycanopathy (congenital with brain and eye anomalies), type A3. Last evaluated: 2021-07-22. Review status: criteria provided, single submitter. Criteria: ACMG Guidelines, 2015. Collection method: clinical testing. Allele origin: germline. Affected: no.

NM_017739.4(POMGNT1):c.1117A>C (p.Lys373Gln)

Genes: POMGNT1 (protein O-linked mannose N-acetylglucosaminyltransferase 1 (beta 1,2-); minus strand), TSPAN1 (tetraspanin 1; plus strand). Cytogenetic location: 1p34.1.
Variant type: single nucleotide variant.
Coding change: c.1117A>C on transcript NM_017739.4 (MANE Select); coding-DNA position 1117, A replaced by C.
Protein change: p.Lys373Gln; replaces lysine 373 with glutamine.
Molecular consequence: missense variant.
Genome position (GRCh38, 1-based): chr1:46,193,209, T>G on the plus strand (A>C on the coding strand, the complement: POMGNT1 is on the minus strand). VCF-style: chr1-46193209-T-G. GRCh37 (hg19) VCF-style: chr1-46658881-T-G.
Other names: c.1117A>C, p.Lys373Gln (NM_001243766.2, NM_001410783.1); c.1051A>C, p.Lys351Gln (NM_001290129.3); c.688A>C, p.Lys230Gln (NM_001290130.2); short protein forms K230Q, K351Q, K373Q.
Identifiers: ClinVar variation 1210461 (VCV001210461.5), dbSNP rs752591703, ClinGen allele CA833481.